The following is an entry in ClinVar:

NM_001607.4(ACAA1):c.627-9T>C

Gene: ACAA1 (acetyl-CoA acyltransferase 1; minus strand). Cytogenetic location: 3p22.2.
Variant type: single nucleotide variant.
Coding change: c.627-9T>C on transcript NM_001607.4 (MANE Select); 9 bases into the intron before coding-DNA position 627, T replaced by C.
Molecular consequence: intron variant.
Genome position (GRCh38, 1-based): chr3:38,126,709, A>G on the plus strand (T>C on the coding strand, the complement: ACAA1 is on the minus strand). VCF-style: chr3-38126709-A-G. GRCh37 (hg19) VCF-style: chr3-38168200-A-G.
Other names: c.528-9T>C (NM_001130410.2).
Identifiers: ClinVar variation 3038639 (VCV003038639.2), dbSNP rs1430078665, ClinGen allele CA542615044.
Genomic context (GRCh38, chr3:38,126,709, plus strand): 5'-CACAGGCACAATCTCAGCTTGGAAACAGCCCTTGCTCTGGGCTCTTGCTGCCCTGCCAGC[A>G]CCATGGACAGCCAGCTTCAGACTCCCTTGGGGTTCCCTTCCTCCCTGCCCCCAACCCCTA-3'

ClinVar aggregate classification (germline): Likely benign (0 of 4 stars; one submission).

Conditions:
ACAA1-related disorder. Also called: ACAA1-related condition.

Allele frequency attached by ClinVar (database versions not stated): TOPMed 0.00001; gnomAD 0.00002; gnomAD exomes 0.00002.
gnomAD v4.1: 35 of 1,612,938 alleles (0.0022%); highest among the groups gnomAD compares: Middle Eastern, 0.058%; no homozygotes.

Submission:

PreventionGenetics, part of Exact Sciences
Classification: Likely benign for ACAA1-related condition. Last evaluated: 2019-05-27. Review status: no assertion criteria provided. Collection method: clinical testing. Allele origin: germline.
Comment: This variant is classified as likely benign based on ACMG/AMP sequence variant interpretation guidelines (Richards et al. 2015 PMID: 25741868, with internal and published modifications).